The following is an entry in ClinVar:

NM_007126.5(VCP):c.1696-4A>G

Gene: VCP (valosin containing protein; minus strand). Cytogenetic location: 9p13.3.
Variant type: single nucleotide variant.
Coding change: c.1696-4A>G on transcript NM_007126.5 (MANE Select); 4 bases into the intron before coding-DNA position 1696, A replaced by G.
Molecular consequence: intron variant.
Genome position (GRCh38, 1-based): chr9:35,059,805, T>C on the plus strand (A>G on the coding strand, the complement: VCP is on the minus strand). VCF-style: chr9-35059805-T-C. GRCh37 (hg19) VCF-style: chr9-35059802-T-C.
Other names: c.1561-4A>G (NM_001354927.2, NM_001354928.2).
Identifiers: ClinVar variation 790949 (VCV000790949.14), dbSNP rs963637081, ClinGen allele CA192679715.
Genomic context (GRCh38, chr9:35,059,805, plus strand): 5'-CTTGGCAATCGAATCCAGCTCATCAAAGAATAGCACACAGGGGGCAGCTTGGCGGGCCTG[T>C]AGGAGGAATGGATTGATTCAAGCACTAACAAAACTAGATGTCTCTAGGCAAACGTGGTGG-3'

ClinVar aggregate classification (germline): Likely benign. Review status: criteria provided, multiple submitters, no conflicts (2 of 4 stars). 3 submissions from 3 submitters: Likely benign (2). 1 of the submissions does not count toward it. Last evaluated 2026-01-19.

Conditions:
Inclusion body myopathy with Paget disease of bone and frontotemporal dementia. Also called: Inclusion body myopathy with early-onset Paget disease and frontotemporal dementia. Identifiers: Orphanet 52430, MedGen C1833662, MONDO:0000507.
Frontotemporal dementia and/or amyotrophic lateral sclerosis 6 (FTDALS6). Also called: VCP-Related Amyotrophic Lateral Sclerosis/Frontotemporal Dementia; VCP-Related Amyotrophic Lateral Sclerosis. Identifiers: Orphanet 275872, Orphanet 803, MedGen C5436279, MONDO:0013501, OMIM 613954.
VCP-related disorder. Also called: VCP-related condition; VCP-related disorders.

Allele frequency attached by ClinVar (database versions not stated): gnomAD exomes below 0.00001 and 0.00001.
gnomAD v4.1: 6 of 1,613,894 alleles (0.00037%); highest among the groups gnomAD compares: East Asian, 0.0022%; no homozygotes.

Submissions (3):

Labcorp Genetics (formerly Invitae), Labcorp
Classification: Likely benign for Inclusion body myopathy with Paget disease of bone and frontotemporal dementia; Frontotemporal dementia and/or amyotrophic lateral sclerosis 6. Last evaluated: 2026-01-19. Review status: criteria provided, single submitter. Criteria: Invitae Variant Classification Sherloc (09022015). Collection method: clinical testing. Allele origin: germline.

Blueprint Genetics
Classification: Likely benign. Last evaluated: 2018-11-26. Review status: criteria provided, single submitter. Criteria: ACMG Guidelines, 2015. Collection method: clinical testing. Allele origin: germline.

PreventionGenetics, part of Exact Sciences
Classification: Likely benign for VCP-related condition. Last evaluated: 2019-02-21. Review status: no assertion criteria provided. Collection method: clinical testing. Allele origin: germline. Not counted in ClinVar's aggregate classification.
Comment: This variant is classified as likely benign based on ACMG/AMP sequence variant interpretation guidelines (Richards et al. 2015 PMID: 25741868, with internal and published modifications).